The following is an entry in ClinVar:

ClinVar aggregate classification (germline): Pathogenic (1 of 4 stars; one submission).

Conditions:
Smith-Lemli-Opitz syndrome (SLOS). Also called: LETHAL ACRODYSGENITAL SYNDROME; POLYDACTYLY, SEX REVERSAL, RENAL HYPOPLASIA, AND UNILOBAR LUNG; RSH SYNDROME; RUTLEDGE LETHAL MULTIPLE CONGENITAL ANOMALY SYNDROME; 7-Dehydrocholesterol reductase deficiency. Identifiers: Orphanet 818, MedGen C0175694, MONDO:0010035, OMIM 270400.

Submission:

Myriad Genetics, Inc.
Classification: Pathogenic for Smith-Lemli-Opitz syndrome. Last evaluated: 2025-10-30. Review status: criteria provided, single submitter. Criteria: Myriad Autosomal Dominant, Autosomal Recessive and X-Linked Classification Criteria (2023). Collection method: clinical testing. Allele origin: unknown.
Comment: NM_001360.2(DHCR7):c.645_659del15ins1(F215Lfs*7) is expected to be pathogenic in the context of Smith-Lemli-Opitz syndrome. This variant is predicted to lead to an abnormal or absent protein product due to the creation of a premature termination codon in DHCR7, a gene where loss-of-function variants are known to be pathogenic. Please note: this variant was assessed in the context of healthy population screening.

NM_001360.3(DHCR7):c.645_659delinsG (p.Phe215fs)

Gene: DHCR7 (7-dehydrocholesterol reductase; minus strand). Cytogenetic location: 11q13.4.
Variant type: Indel.
Coding change: c.645_659delinsG on transcript NM_001360.3 (MANE Select); coding-DNA positions 645 to 659, CTTTTACAACTACAT replaced by G.
Protein change: p.Phe215fs; shifts the reading frame from phenylalanine 215.
Molecular consequence: frameshift variant.
Genome position (GRCh38, 1-based): chr11:71,439,051-71,439,065, ATGTAGTTGTAAAAG replaced by C on the plus strand (CTTTTACAACTACAT replaced by G on the coding strand, the reverse complement: DHCR7 is on the minus strand). VCF-style: chr11-71439051-ATGTAGTTGTAAAAG-C. GRCh37 (hg19) VCF-style: chr11-71150097-ATGTAGTTGTAAAAG-C.
Other names: c.645_659delinsG, p.Phe215fs (NM_001163817.2, NM_001425109.1, NM_001425110.1 and 6 more transcripts); c.696_710delinsG, p.Phe232fs (NM_001425107.1); c.681_695delinsG, p.Phe227fs (NM_001425108.1); c.585_599delinsG, p.Phe195fs (NM_001425113.1); c.549_563delinsG, p.Phe183fs (NM_001425114.1, NM_001425116.1); c.471_485delinsG, p.Phe157fs (NM_001425117.1); short protein forms F157fs, F183fs, F195fs, F215fs, F227fs, F232fs.
Identifiers: ClinVar variation 5015156 (VCV005015156.1).
Genomic context (GRCh38, chr11:71,439,051, plus strand): 5'-TTGAAGAACAGCTTGAAGTCAAACCACTTCCCGATCCGAGGGTTAAACTCGATGCCCATC[ATGTAGTTGTAAAAG>C]AAATTGCCTGTGAATTTGCTTAAAAATATAAATAAAAGATACATTTAGTGGATGAGCATA-3'